The following is an entry in ClinVar:

ClinVar aggregate classification (germline): Uncertain significance (1 of 4 stars; one submission).

gnomAD v4.1: 1 of 1,612,138 alleles (0.000062%); highest among the groups gnomAD compares: Non-Finnish European, 0.000085%; no homozygotes.

Submission:

Labcorp Genetics (formerly Invitae), Labcorp
Classification: Uncertain significance. Last evaluated: 2026-01-28. Review status: criteria provided, single submitter. Criteria: Invitae Variant Classification Sherloc (09022015). Collection method: clinical testing. Allele origin: germline.
Comment: This sequence change replaces methionine, which is neutral and non-polar, with threonine, which is neutral and polar, at codon 540 of the RELA protein (p.Met540Thr). This variant is not present in population databases (gnomAD no frequency). This variant has not been reported in the literature in individuals affected with RELA-related conditions. An algorithm developed to predict the effect of missense changes on protein structure and function (PolyPhen-2) suggests that this variant is likely to be tolerated. In summary, the available evidence is currently insufficient to determine the role of this variant in disease. Therefore, it has been classified as a Variant of Uncertain Significance.

NM_021975.4(RELA):c.1619T>C (p.Met540Thr)

Gene: RELA (RELA proto-oncogene, NF-kB subunit; minus strand). Cytogenetic location: 11q13.1.
Variant type: single nucleotide variant.
Coding change: c.1619T>C on transcript NM_021975.4 (MANE Select); coding-DNA position 1619, T replaced by C.
Protein change: p.Met540Thr; replaces methionine 540 with threonine.
Molecular consequence: missense variant.
Genome position (GRCh38, 1-based): chr11:65,654,415, A>G on the plus strand (T>C on the coding strand, the complement: RELA is on the minus strand). VCF-style: chr11-65654415-A-G. GRCh37 (hg19) VCF-style: chr11-65421886-A-G.
Other names: c.1610T>C, p.Met537Thr (NM_001145138.2); c.1412T>C, p.Met471Thr (NM_001243984.2); c.1310T>C, p.Met437Thr (NM_001243985.2); c.1652T>C, p.Met551Thr (NM_001404657.1); c.1592T>C, p.Met531Thr (NM_001404658.1); c.1406T>C, p.Met469Thr (NM_001404659.1); c.1301T>C, p.Met434Thr (NM_001404660.1); c.1238T>C, p.Met413Thr (NM_001404661.1); and 1 more; short protein forms M531T, M540T, M471T, M509T, M413T, M434T, M437T, M469T.
Identifiers: ClinVar variation 4735792 (VCV004735792.1).